The following is an entry in ClinVar:

ClinVar aggregate classification (germline): Uncertain significance (1 of 4 stars; one submission).

Conditions:
Inborn genetic diseases. Identifiers: MedGen C0950123, MeSH D030342.

Submission:

Ambry Genetics
Classification: Uncertain significance for Inborn genetic diseases. Last evaluated: 2019-06-28. Review status: criteria provided, single submitter. Criteria: Ambry Variant Classification Scheme 2023. Collection method: clinical testing. Allele origin: germline.
Comment: The p.E1762Q variant (also known as c.5284G>C), located in coding exon 23 of the CHD7 gene, results from a G to C substitution at nucleotide position 5284. The glutamic acid at codon 1762 is replaced by glutamine, an amino acid with highly similar properties. This amino acid position is well conserved in available vertebrate species. In addition, the in silico prediction for this alteration is inconclusive. Since supporting evidence is limited at this time, the clinical significance of this alteration remains unclear.

NM_017780.4(CHD7):c.5284G>C (p.Glu1762Gln)

Gene: CHD7 (chromodomain helicase DNA binding protein 7; plus strand). Cytogenetic location: 8q12.2.
Variant type: single nucleotide variant.
Coding change: c.5284G>C on transcript NM_017780.4 (MANE Select); coding-DNA position 5284, G replaced by C.
Protein change: p.Glu1762Gln; replaces glutamic acid 1762 with glutamine.
Molecular consequence: missense variant. On other transcripts: intron variant (1).
Genome position (GRCh38, 1-based): chr8:60,848,588, G>C. VCF-style: chr8-60848588-G-C. GRCh37 (hg19) VCF-style: chr8-61761147-G-C.
Other names: c.1717-13641G>C (NM_001316690.1); short protein forms E1762Q.
Identifiers: ClinVar variation 1746588 (VCV001746588.2), dbSNP rs1805313432, ClinGen allele CA371320917.